The following is an entry in ClinVar:

ClinVar aggregate classification (germline): Likely benign. Review status: criteria provided, multiple submitters, no conflicts (2 of 4 stars). 3 submissions from 3 submitters: Likely benign (3). Last evaluated 2025-05-19.

Conditions:
Hereditary cancer-predisposing syndrome. Also called: Tumor predisposition; Neoplastic Syndromes, Hereditary; Hereditary Cancer Syndrome; Hereditary neoplastic syndrome. Identifiers: Orphanet 140162, MedGen C0027672, MeSH D009386, MONDO:0015356.
Peutz-Jeghers syndrome (PJS). Also called: POLYPOSIS, HAMARTOMATOUS INTESTINAL; POLYPS-AND-SPOTS SYNDROME; Peutz-Jeghers polyposis; Periorificial lentiginosis syndrome. Identifiers: Orphanet 2869, MedGen C0031269, MeSH D010580, MONDO:0008280, OMIM 175200.

Allele frequency attached by ClinVar (database versions not stated): gnomAD exomes below 0.00001; TOPMed below 0.00001; gnomAD 0.00001.
gnomAD v4.1: 2 of 1,596,032 alleles (0.00013%); highest among the groups gnomAD compares: Non-Finnish European, 0.00017%; no homozygotes.

Submissions (3):

Labcorp Genetics (formerly Invitae), Labcorp
Classification: Likely benign for Peutz-Jeghers syndrome. Last evaluated: 2025-05-19. Review status: criteria provided, single submitter. Criteria: Invitae Variant Classification Sherloc (09022015). Collection method: clinical testing. Allele origin: germline.

Myriad Genetics, Inc.
Classification: Likely benign for Peutz-Jeghers syndrome. Last evaluated: 2025-03-26. Review status: criteria provided, single submitter. Criteria: Myriad Autosomal Dominant, Autosomal Recessive and X-Linked Classification Criteria (2023). Collection method: clinical testing. Allele origin: unknown.
Comment: This variant is considered likely benign. This variant is intronic and is not expected to impact mRNA splicing.

Color Diagnostics, LLC DBA Color Health
Classification: Likely benign for Hereditary cancer-predisposing syndrome. Last evaluated: 2016-05-31. Review status: criteria provided, single submitter. Criteria: ACMG Guidelines, 2015. Collection method: clinical testing. Allele origin: germline.

NM_000455.5(STK11):c.465-9T>C

Gene: STK11 (serine/threonine kinase 11; plus strand). Cytogenetic location: 19p13.3.
Variant type: single nucleotide variant.
Coding change: c.465-9T>C on transcript NM_000455.5 (MANE Select); 9 bases into the intron before coding-DNA position 465, T replaced by C.
Molecular consequence: intron variant.
Genome position (GRCh38, 1-based): chr19:1,220,364, T>C. VCF-style: chr19-1220364-T-C. GRCh37 (hg19) VCF-style: chr19-1220363-T-C.
Identifiers: ClinVar variation 492534 (VCV000492534.14), dbSNP rs1296890675, ClinGen allele CA658684203.